The following is an entry in ClinVar:

NM_022455.5(NSD1):c.1862T>A (p.Leu621His)

Gene: NSD1 (nuclear receptor binding SET domain protein 1; plus strand). Cytogenetic location: 5q35.3.
Variant type: single nucleotide variant.
Coding change: c.1862T>A on transcript NM_022455.5 (MANE Select); coding-DNA position 1862, T replaced by A.
Protein change: p.Leu621His; replaces leucine 621 with histidine.
Molecular consequence: missense variant.
Genome position (GRCh38, 1-based): chr5:177,210,261, T>A. VCF-style: chr5-177210261-T-A. GRCh37 (hg19) VCF-style: chr5-176637262-T-A.
Other names: c.1442T>A, p.Leu481His (NM_001409304.1); c.1109T>A, p.Leu370His (NM_001409305.1); c.989T>A, p.Leu330His (NM_001409306.1, NM_001409307.1, NM_001409308.1 and 3 more transcripts); c.1862T>A, p.Leu621His (NM_001409301.1, NM_001409302.1, NM_001409303.1); short protein forms L330H, L621H, L481H, L370H.
Identifiers: ClinVar variation 4776243 (VCV004776243.1).

ClinVar aggregate classification (germline): Uncertain significance (1 of 4 stars; one submission).

Submission:

Labcorp Genetics (formerly Invitae), Labcorp
Classification: Uncertain significance. Last evaluated: 2025-06-13. Review status: criteria provided, single submitter. Criteria: Invitae Variant Classification Sherloc (09022015). Collection method: clinical testing. Allele origin: germline.
Comment: This sequence change replaces leucine, which is neutral and non-polar, with histidine, which is basic and polar, at codon 621 of the NSD1 protein (p.Leu621His). This variant is not present in population databases (gnomAD no frequency). This variant has not been reported in the literature in individuals affected with NSD1-related conditions. Invitae Evidence Modeling of protein sequence and biophysical properties (such as structural, functional, and spatial information, amino acid conservation, physicochemical variation, residue mobility, and thermodynamic stability) indicates that this missense variant is not expected to disrupt NSD1 protein function with a negative predictive value of 95%. In summary, the available evidence is currently insufficient to determine the role of this variant in disease. Therefore, it has been classified as a Variant of Uncertain Significance.